The following is an entry in ClinVar:

ClinVar aggregate classification (germline): Uncertain significance (1 of 4 stars; one submission).

Submission:

GeneDx
Classification: Uncertain significance. Last evaluated: 2025-01-22. Review status: criteria provided, single submitter. Criteria: GeneDx Variant Classification Process June 2021. Collection method: clinical testing. Allele origin: germline. Affected: yes.
Comment: Not observed at significant frequency in large population cohorts (gnomAD); In silico analysis supports that this missense variant has a deleterious effect on protein structure/function; Has not been previously published as pathogenic or benign to our knowledge

NM_001252102.2(KIF21B):c.1028T>C (p.Met343Thr)

Gene: KIF21B (kinesin family member 21B; minus strand). Cytogenetic location: 1q32.1.
Variant type: single nucleotide variant.
Coding change: c.1028T>C on transcript NM_001252102.2 (MANE Select); coding-DNA position 1028, T replaced by C.
Protein change: p.Met343Thr; replaces methionine 343 with threonine.
Molecular consequence: missense variant.
Genome position (GRCh38, 1-based): chr1:201,003,770, A>G on the plus strand (T>C on the coding strand, the complement: KIF21B is on the minus strand). VCF-style: chr1-201003770-A-G. GRCh37 (hg19) VCF-style: chr1-200972898-A-G.
Other names: c.1028T>C, p.Met343Thr (NM_017596.4, NM_001252100.2, NM_001252103.2); short protein forms M343T.
Identifiers: ClinVar variation 4071683 (VCV004071683.1).